The following is an entry in ClinVar:

NM_015021.3(ZNF292):c.4407A>G (p.Thr1469=)

Gene: ZNF292 (zinc finger protein 292; plus strand). Cytogenetic location: 6q14.3.
Variant type: single nucleotide variant.
Coding change: c.4407A>G on transcript NM_015021.3 (MANE Select); coding-DNA position 4407, A replaced by G.
Protein change: p.Thr1469=; no amino-acid change (threonine 1469 retained).
Molecular consequence: synonymous variant.
Genome position (GRCh38, 1-based): chr6:87,258,036, A>G. VCF-style: chr6-87258036-A-G. GRCh37 (hg19) VCF-style: chr6-87967754-A-G.
Other names: c.3987A>G, p.Thr1329= (NM_001351444.2).
Identifiers: ClinVar variation 1711636 (VCV001711636.30), dbSNP rs41273275, ClinGen allele CA3914303.

ClinVar aggregate classification (germline): Likely benign (1 of 4 stars; one submission).

Allele frequency attached by ClinVar (database versions not stated): ExAC 0.00054; 1000 Genomes Project 30x 0.00062; ESP Exome Variant Server 0.00168.
gnomAD v4.1: 2,246 of 1,613,798 alleles (0.14%); highest among the groups gnomAD compares: Non-Finnish European, 0.18%; 3 homozygotes.

Submission:

CeGaT Center for Human Genetics Tuebingen
Classification: Likely benign. Last evaluated: 2026-08-01. Review status: criteria provided, single submitter. Criteria: CeGaT Center For Human Genetics Tuebingen Variant Classification Criteria Version 2. Collection method: clinical testing. Allele origin: germline. Affected: yes. Observed: 8 variant alleles.
Comment: ZNF292: BP4, BP7, BS1